The following is an entry in ClinVar:

ClinVar aggregate classification (germline): Uncertain significance (1 of 4 stars; one submission).

Conditions:
Hereditary spastic paraplegia 39 (SPG39). Also called: SPASTIC PARAPLEGIA 39, AUTOSOMAL RECESSIVE; Spastic Paraplegia Type 39 (SPG39). Identifiers: Orphanet 139480, MedGen C2677586, MONDO:0012787, OMIM 612020.

Submission:

Center for Human Genetics and Genomic Medicine, Uniklinik Rwth Aachen
Classification: Uncertain significance for Hereditary spastic paraplegia 39. Last evaluated: 2022-02-15. Review status: criteria provided, single submitter. Criteria: ACMG Guidelines, 2015. Collection method: clinical testing. Allele origin: unknown. Affected: yes.
Comment: The variant has not been reported in dbSNP151, gnomAD, or ClinVar. Bioinformatic in silico analyses (Alamut v.2.15.0, PolyPhen-2) evaluate it inconsistently in terms of pathogenicity. Therefore, this variant has been classified as "variant of uncertain significance".

NM_001166114.2(PNPLA6):c.2523C>G (p.Ile841Met)

Gene: PNPLA6 (patatin like domain 6, lysophospholipase; plus strand). Cytogenetic location: 19p13.2.
Variant type: single nucleotide variant.
Coding change: c.2523C>G on transcript NM_001166114.2 (MANE Select); coding-DNA position 2523, C replaced by G.
Protein change: p.Ile841Met; replaces isoleucine 841 with methionine.
Molecular consequence: missense variant.
Genome position (GRCh38, 1-based): chr19:7,554,612, C>G. VCF-style: chr19-7554612-C-G. GRCh37 (hg19) VCF-style: chr19-7619498-C-G.
Other names: c.2553C>G, p.Ile851Met (NM_001166111.2); c.2328C>G, p.Ile776Met (NM_001166112.2); c.2409C>G, p.Ile803Met (NM_001166113.1, NM_006702.5); short protein forms I776M, I803M, I841M, I851M.
Identifiers: ClinVar variation 1342135 (VCV001342135.2), dbSNP rs375484169, ClinGen allele CA403128686.
Genomic context (GRCh38, chr19:7,554,612, plus strand): 5'-TAGCATCCAAGAGTTCCGGCTGTCAGGGTGGCTGGCCCAGCAGGAGGATGCACACCGTAT[C>G]GTACTCTACCAGACGGACGCCTCGCTGACGCCCTGGACCGTGCGCTGCCTGCGACAGGCC-3'
Protein context (NP_001159586.1, residues 831-851): WLAQQEDAHR[Ile841Met]VLYQTDASLT